The following is an entry in ClinVar:

NM_002227.4(JAK1):c.2555-5G>T

Gene: JAK1 (Janus kinase 1; minus strand). Cytogenetic location: 1p31.3.
Variant type: single nucleotide variant.
Coding change: c.2555-5G>T on transcript NM_002227.4 (MANE Select); 5 bases into the intron before coding-DNA position 2555, G replaced by T.
Molecular consequence: intron variant.
Genome position (GRCh38, 1-based): chr1:64,841,344, C>A on the plus strand (G>T on the coding strand, the complement: JAK1 is on the minus strand). VCF-style: chr1-64841344-C-A. GRCh37 (hg19) VCF-style: chr1-65307027-C-A.
Other names: c.2555-5G>T (NM_001321852.2, NM_001321854.2, NM_001321853.2 and 4 more transcripts); c.2552-5G>T (NM_001321857.2).
Identifiers: ClinVar variation 1567341 (VCV001567341.11), dbSNP rs544541009, ClinGen allele CA892637.
Genomic context (GRCh38, chr1:64,841,344, plus strand): 5'-AAAATGTGTGGGGTCCACTTCAGTTGCTGGTTTTTTTTCTGAAACAATATCTGGATCTAA[C>A]AGAAGAGAAAAGAAAACAGAGTGAAAGGCAGTCGATTGCCAGGGATTGCCACCCAGGCTC-3'

ClinVar aggregate classification (germline): Likely benign. Review status: criteria provided, single submitter (1 of 4 stars). 2 submissions from 2 submitters: Likely benign (1). 1 of the submissions does not count toward it. Last evaluated 2025-11-16.

Conditions:
JAK1-related disorder. Also called: JAK1-related condition.

Allele frequency attached by ClinVar (database versions not stated): gnomAD 0.00007; 1000 Genomes Project 30x 0.00125; 1000 Genomes Project 0.00160.
gnomAD v4.1: 69 of 1,613,392 alleles (0.0043%); highest among the groups gnomAD compares: South Asian, 0.07%; 2 homozygotes.

Submissions (2):

Labcorp Genetics (formerly Invitae), Labcorp
Classification: Likely benign. Last evaluated: 2025-11-16. Review status: criteria provided, single submitter. Criteria: Invitae Variant Classification Sherloc (09022015). Collection method: clinical testing. Allele origin: germline.

PreventionGenetics, part of Exact Sciences
Classification: Likely benign for JAK1-related condition. Last evaluated: 2019-04-19. Review status: no assertion criteria provided. Collection method: clinical testing. Allele origin: germline. Not counted in ClinVar's aggregate classification.
Comment: This variant is classified as likely benign based on ACMG/AMP sequence variant interpretation guidelines (Richards et al. 2015 PMID: 25741868, with internal and published modifications).